The following is an entry in ClinVar:

ClinVar aggregate classification (germline): Likely pathogenic (1 of 4 stars; one submission).

Conditions:
Gaucher disease. Also called: Acute cerebral Gaucher disease; Cerebroside lipidosis syndrome; Gaucher splenomegaly; Sphingolipidosis 1; Glucocerebrosidosis; Glucosylceramidase deficiency. Identifiers: Orphanet 355, MedGen C0017205, MONDO:0018150.

Submission:

Natera, Inc.
Classification: Likely pathogenic for Gaucher disease. Last evaluated: 2026-01-26. Review status: criteria provided, single submitter. Criteria: Natera Variant Classification Schema (03/2026). Collection method: clinical testing. Allele origin: germline.
Comment: The c.700G>A variant in GBA1 is a missense variant predicted to cause substitution of glycine to arginine at amino acid 234. This variant is rare in the general population with a frequency below the threshold expected for the associated phenotype(s). This variant has been observed in one or more individuals affected with the associated recessive disease, as either homozygous or compound heterozygous with a second variant (PMID: 32702516). A different variant at the same position has been determined to be Pathogenic or Likely Pathogenic. Computational prediction algorithms indicate this variant is likely to affect gene or protein function. Given the available evidence, this variant is classified as Likely Pathogenic.

Literature cited by the submitters: PubMed 32702516.

NM_000157.4(GBA1):c.700G>A (p.Gly234Arg)

Genes: GBA1 (glucosylceramidase beta 1; minus strand), LOC106627981 (GBA recombination region; plus strand). Cytogenetic location: 1q22.
Variant type: single nucleotide variant.
Coding change: c.700G>A on transcript NM_000157.4 (MANE Select); coding-DNA position 700, G replaced by A.
Protein change: p.Gly234Arg; replaces glycine 234 with arginine.
Molecular consequence: missense variant.
Genome position (GRCh38, 1-based): chr1:155,238,195, C>T on the plus strand (G>A on the coding strand, the complement: GBA1 is on the minus strand). VCF-style: chr1-155238195-C-T. GRCh37 (hg19) VCF-style: chr1-155207986-C-T.
Other names: c.700G>A, p.Gly234Arg (NM_001005741.3, NM_001005742.3); c.439G>A, p.Gly147Arg (NM_001171811.2); c.553G>A, p.Gly185Arg (NM_001171812.2); short protein forms G147R, G185R, G234R.
Identifiers: ClinVar variation 4817794 (VCV004817794.1).